The following is an entry in ClinVar:

NM_001375883.1(GPR161):c.688G>A (p.Val230Met)

Gene: GPR161 (G protein-coupled receptor 161; minus strand). Cytogenetic location: 1q24.2.
Variant type: single nucleotide variant.
Coding change: c.688G>A on transcript NM_001375883.1 (MANE Select); coding-DNA position 688, G replaced by A.
Protein change: p.Val230Met; replaces valine 230 with methionine.
Molecular consequence: missense variant.
Genome position (GRCh38, 1-based): chr1:168,096,919, C>T on the plus strand (G>A on the coding strand, the complement: GPR161 is on the minus strand). VCF-style: chr1-168096919-C-T. GRCh37 (hg19) VCF-style: chr1-168066157-C-T.
Other names: c.748G>A, p.Val250Met (NM_001267609.1); c.688G>A, p.Val230Met (NM_001267610.2, NM_001349632.1, NM_001349633.1 and 5 more transcripts); c.739G>A, p.Val247Met (NM_001267611.1); c.292G>A, p.Val98Met (NM_001267612.2, NM_001349635.1); c.454G>A, p.Val152Met (NM_001267613.1); c.346G>A, p.Val116Met (NM_001267614.1); short protein forms V230M, V152M, V247M, V116M, V250M, V98M.
Identifiers: ClinVar variation 3631548 (VCV003631548.2).

ClinVar aggregate classification (germline): Uncertain significance (1 of 4 stars; one submission).

Submission:

Labcorp Genetics (formerly Invitae), Labcorp
Classification: Uncertain significance. Last evaluated: 2025-02-25. Review status: criteria provided, single submitter. Criteria: Invitae Variant Classification Sherloc (09022015). Collection method: clinical testing. Allele origin: germline.
Comment: This sequence change replaces valine, which is neutral and non-polar, with methionine, which is neutral and non-polar, at codon 250 of the GPR161 protein (p.Val250Met). This variant is present in population databases (rs756165153, gnomAD 0.05%). This variant has not been reported in the literature in individuals affected with GPR161-related conditions. An algorithm developed to predict the effect of missense changes on protein structure and function (PolyPhen-2) suggests that this variant is likely to be tolerated. In summary, the available evidence is currently insufficient to determine the role of this variant in disease. Therefore, it has been classified as a Variant of Uncertain Significance.